The following is an entry in ClinVar:

ClinVar aggregate classification (germline): Pathogenic (1 of 4 stars; one submission).

Conditions:
Macular corneal dystrophy (MCD). Also called: GROENOUW TYPE II CORNEAL DYSTROPHY; Macular corneal dystrophy Type I. Identifiers: Orphanet 98969, MedGen C1636149, MONDO:0009020, OMIM 217800.

Allele frequency attached by ClinVar (database versions not stated): gnomAD exomes below 0.00001 and 0.00002; TOPMed below 0.00001.
gnomAD v4.1: 6 of 1,613,138 alleles (0.00037%); highest among the groups gnomAD compares: East Asian, 0.013%; no homozygotes.

Submission:

Illumina Laboratory Services, Illumina
Classification: Pathogenic for Macular corneal dystrophy. Last evaluated: 2017-04-27. Review status: criteria provided, single submitter. Criteria: ICSL Variant Classification Criteria 09 May 2019. Collection method: clinical testing. Allele origin: germline.
Comment: The CHST6 c.892C>T (p.Gln298Ter) variant is a stop-gained variant that is predicted to result in a premature termination of the protein. The p.Gln298Ter variant has been reported in two studies in which it is found in a total of 11 patients with macular corneal dystrophy, including in two from the same family in a homozygous state, in nine in a compound heterozygous state (at least three of whom are related), and in a heterozygous state in three unaffected family members (Dang et al. 2009; Liu et al. 2010). The p.Gln298Ter variant was absent from 150 controls and is not found in the 1000 Genomes Project, the Exome Sequencing Project, or the Exome Aggregation Consortium. Based on the evidence and the potential impact of stop-gained variants, the p.Gln298Ter variant is classified as pathogenic for macular corneal dystrophy. This variant was observed by ICSL as part of a predisposition screen in an ostensibly healthy population.

Literature cited by the submitters: PubMed 19365571; PubMed 20539220.

NM_021615.5(CHST6):c.892C>T (p.Gln298Ter)

Gene: CHST6 (carbohydrate sulfotransferase 6; minus strand). Cytogenetic location: 16q23.1.
Variant type: single nucleotide variant.
Coding change: c.892C>T on transcript NM_021615.5 (MANE Select); coding-DNA position 892, C replaced by T.
Protein change: p.Gln298Ter; replaces glutamine 298 with a stop codon.
Molecular consequence: nonsense.
Genome position (GRCh38, 1-based): chr16:75,478,937, G>A on the plus strand (C>T on the coding strand, the complement: CHST6 is on the minus strand). VCF-style: chr16-75478937-G-A. GRCh37 (hg19) VCF-style: chr16-75512835-G-A.
Other names: short protein forms Q298*.
Identifiers: ClinVar variation 320606 (VCV000320606.5), dbSNP rs886052321, ClinGen allele CA10648995.